The following is an entry in ClinVar:

NM_000138.5(FBN1):c.6407T>A (p.Val2136Asp)

Gene: FBN1 (fibrillin 1; minus strand). Cytogenetic location: 15q21.1.
Variant type: single nucleotide variant.
Coding change: c.6407T>A on transcript NM_000138.5 (MANE Select); coding-DNA position 6407, T replaced by A.
Protein change: p.Val2136Asp; replaces valine 2136 with aspartic acid.
Molecular consequence: missense variant.
Genome position (GRCh38, 1-based): chr15:48,437,050, A>T on the plus strand (T>A on the coding strand, the complement: FBN1 is on the minus strand). VCF-style: chr15-48437050-A-T. GRCh37 (hg19) VCF-style: chr15-48729247-A-T.
Other names: c.6407T>A, p.Val2136Asp (NM_001406716.1); short protein forms V2136D.
Identifiers: ClinVar variation 3759273 (VCV003759273.2).

ClinVar aggregate classification (germline): Uncertain significance (1 of 4 stars; one submission).

Conditions:
Marfan syndrome (MFS). Also called: MARFAN SYNDROME, TYPE I; Marfan syndrome type 1; Marfan's syndrome; Marfan syndrome, classic; FBN1-Related Marfan Syndrome. Identifiers: Orphanet 284963, Orphanet 558, MedGen C0024796, MONDO:0007947, OMIM 154700.
Familial thoracic aortic aneurysm and aortic dissection (TAAD). Also called: Thoracic aortic aneurysms and dissections. Identifiers: Orphanet 91387, MedGen C4707243, MONDO:0019625.

Submission:

Labcorp Genetics (formerly Invitae), Labcorp
Classification: Uncertain significance for Marfan syndrome; Familial thoracic aortic aneurysm and aortic dissection. Last evaluated: 2024-11-14. Review status: criteria provided, single submitter. Criteria: Invitae Variant Classification Sherloc (09022015). Collection method: clinical testing. Allele origin: germline.
Comment: This sequence change replaces valine, which is neutral and non-polar, with aspartic acid, which is acidic and polar, at codon 2136 of the FBN1 protein (p.Val2136Asp). This variant is not present in population databases (gnomAD no frequency). This missense change has been observed in individual(s) with Marfan syndrome (PMID: 17657824). Invitae Evidence Modeling of protein sequence and biophysical properties (such as structural, functional, and spatial information, amino acid conservation, physicochemical variation, residue mobility, and thermodynamic stability) has been performed for this missense variant. However, the output from this modeling did not meet the statistical confidence thresholds required to predict the impact of this variant on FBN1 protein function. In summary, the available evidence is currently insufficient to determine the role of this variant in disease. Therefore, it has been classified as a Variant of Uncertain Significance.

Literature cited by the submitters: PubMed 17657824.